The following is an entry in ClinVar:

ClinVar aggregate classification (germline): Likely benign. Review status: criteria provided, multiple submitters, no conflicts (2 of 4 stars). 3 submissions from 3 submitters: Likely benign (3). Last evaluated 2026-06-06.

Conditions:
Dilated cardiomyopathy 1G (CMD1G). Identifiers: Orphanet 154, MedGen C1858763, MONDO:0011400, OMIM 604145.
Autosomal recessive limb-girdle muscular dystrophy type 2J (LGMDR10). Also called: MUSCULAR DYSTROPHY, LIMB-GIRDLE, AUTOSOMAL RECESSIVE 10; Limb-girdle muscular dystrophy, type 2J. Identifiers: Orphanet 140922, MedGen C1837342, MONDO:0012127, OMIM 608807.
Cardiovascular phenotype. Identifiers: MedGen CN230736.

Allele frequency attached by ClinVar (database versions not stated): gnomAD exomes below 0.00001; TOPMed 0.00002.
gnomAD v4.1: 1 of 1,613,614 alleles (0.000062%); highest among the groups gnomAD compares: Admixed American, 0.0017%; no homozygotes.

Submissions (3):

Ambry Genetics
Classification: Likely benign for Cardiovascular phenotype. Last evaluated: 2026-06-06. Review status: criteria provided, single submitter. Criteria: Ambry Variant Classification Scheme 2023. Collection method: clinical testing. Allele origin: germline.

Labcorp Genetics (formerly Invitae), Labcorp
Classification: Likely benign for Dilated cardiomyopathy 1G; Autosomal recessive limb-girdle muscular dystrophy type 2J. Last evaluated: 2024-08-06. Review status: criteria provided, single submitter. Criteria: Invitae Variant Classification Sherloc (09022015). Collection method: clinical testing. Allele origin: germline.

GeneDx
Classification: Likely benign. Last evaluated: 2017-10-02. Review status: criteria provided, single submitter. Criteria: GeneDx Variant Classification (06012015). Collection method: clinical testing. Allele origin: germline. Affected: yes.
Comment: This variant is considered likely benign or benign based on one or more of the following criteria: it is a conservative change, it occurs at a poorly conserved position in the protein, it is predicted to be benign by multiple in silico algorithms, and/or has population frequency not consistent with disease.

NM_001267550.2(TTN):c.98937C>T (p.Gly32979=)

Genes: TTN (titin; minus strand), TTN-AS1 (TTN antisense RNA 1; plus strand). Cytogenetic location: 2q31.2.
Variant type: single nucleotide variant.
Coding change: c.98937C>T on transcript NM_001267550.2 (MANE Select); coding-DNA position 98937, C replaced by T.
Protein change: p.Gly32979=; no amino-acid change (glycine 32979 retained).
Molecular consequence: synonymous variant. On other transcripts: non-coding transcript variant (1).
Genome position (GRCh38, 1-based): chr2:178,538,998, G>A on the plus strand (C>T on the coding strand, the complement: TTN is on the minus strand). VCF-style: chr2-178538998-G-A. GRCh37 (hg19) VCF-style: chr2-179403725-G-A.
Other names: c.94014C>T, p.Gly31338= (NM_001256850.1); c.71742C>T, p.Gly23914= (NM_003319.4); c.91233C>T, p.Gly30411= (NM_133378.4); c.72117C>T, p.Gly24039= (NM_133432.3); c.72318C>T, p.Gly24106= (NM_133437.4).
Identifiers: ClinVar variation 512538 (VCV000512538.11), dbSNP rs1033038689, ClinGen allele CA60964346.
Genomic context (GRCh38, chr2:178,538,998, plus strand): 5'-TTCCTTACCAAATGGATCTTTGCAAACAACTGGTTCAGAAGCAGGGCTGGTCTCACTCAG[G>A]CCAACATCATTCTGTGCGATGATGCGGAACTGATACTCAGCATCGGGAACAAGCCCTGTG-3'
Protein context (NP_001254479.2, residues 32969-32989): QFRIIAQNDV[Gly32979=]LSETSPASEP